The following is an entry in ClinVar:

ClinVar aggregate classification (germline): Benign/Likely benign. Review status: criteria provided, multiple submitters, no conflicts (2 of 4 stars). 4 submissions from 4 submitters: Benign (1); Likely benign (2). 1 of the submissions does not count toward it. Last evaluated 2026-01-05.

Conditions:
DNAH1-related disorder. Also called: DNAH1-related condition.
Spermatogenic failure 18. Identifiers: MedGen C4539783, MONDO:0054615, OMIM 617576.
Ciliary dyskinesia, primary, 37 (CILD37). Also called: CILIARY DYSKINESIA, PRIMARY, 37, WITH OR WITHOUT SITUS INVERSUS. Identifiers: MedGen C4539798, MONDO:0033204, OMIM 617577.

Allele frequency attached by ClinVar (database versions not stated): gnomAD exomes 0.00038; ExAC 0.00045; gnomAD 0.00131 and 0.00137; 1000 Genomes Project 0.00140; ESP Exome Variant Server 0.00142; TOPMed 0.00176; 1000 Genomes Project 30x 0.00203.
gnomAD v4.1: 434 of 1,613,998 alleles (0.027%); highest among the groups gnomAD compares: African/African-American, 0.49%; no homozygotes.

Submissions (4):

Labcorp Genetics (formerly Invitae), Labcorp
Classification: Likely benign for Ciliary dyskinesia, primary, 37; Spermatogenic failure 18. Last evaluated: 2026-01-05. Review status: criteria provided, single submitter. Criteria: Invitae Variant Classification Sherloc (09022015). Collection method: clinical testing. Allele origin: germline.

Blueprint Genetics
Classification: Benign. Last evaluated: 2024-08-06. Review status: criteria provided, single submitter. Criteria: ACMG Guidelines, 2015. Collection method: clinical testing. Allele origin: germline.

Breakthrough Genomics
Classification: Likely benign. Review status: criteria provided, single submitter. Criteria: ACMG Guidelines, 2015. Collection method: not provided. Allele origin: germline. Inheritance: Autosomal recessive inheritance. Affected: yes.

PreventionGenetics, part of Exact Sciences
Classification: Likely benign for DNAH1-related condition. Last evaluated: 2022-01-28. Review status: no assertion criteria provided. Collection method: clinical testing. Allele origin: germline. Not counted in ClinVar's aggregate classification.
Comment: This variant is classified as likely benign based on ACMG/AMP sequence variant interpretation guidelines (Richards et al. 2015 PMID: 25741868, with internal and published modifications).

NM_015512.5(DNAH1):c.1384C>T (p.Pro462Ser)

Gene: DNAH1 (dynein axonemal heavy chain 1; plus strand). Cytogenetic location: 3p21.1.
Variant type: single nucleotide variant.
Coding change: c.1384C>T on transcript NM_015512.5 (MANE Select); coding-DNA position 1384, C replaced by T.
Protein change: p.Pro462Ser; replaces proline 462 with serine.
Molecular consequence: missense variant.
Genome position (GRCh38, 1-based): chr3:52,344,587, C>T. VCF-style: chr3-52344587-C-T. GRCh37 (hg19) VCF-style: chr3-52378603-C-T.
Other names: short protein forms P462S.
Identifiers: ClinVar variation 772266 (VCV000772266.14), dbSNP rs201341419, ClinGen allele CA2432958.